The following is an entry in ClinVar:

ClinVar aggregate classification (germline): Uncertain significance (1 of 4 stars; one submission).

Conditions:
X-linked intellectual disability Cabezas type (MRXSC). Also called: CABEZAS SYNDROME; MENTAL RETARDATION, X-LINKED, SYNDROMIC 15; Intellectual developmental disorder, X-linked syndromic, Cabezas type. Identifiers: Orphanet 85289, Orphanet 85293, MedGen C1845861, MONDO:0010306, OMIM 300354.

Submission:

Labcorp Genetics (formerly Invitae), Labcorp
Classification: Uncertain significance for X-linked intellectual disability Cabezas type. Last evaluated: 2025-01-29. Review status: criteria provided, single submitter. Criteria: Invitae Variant Classification Sherloc (09022015). Collection method: clinical testing. Allele origin: germline.
Comment: This sequence change replaces serine, which is neutral and polar, with leucine, which is neutral and non-polar, at codon 99 of the CUL4B protein (p.Ser99Leu). This variant is not present in population databases (gnomAD no frequency). This variant has not been reported in the literature in individuals affected with CUL4B-related conditions. Invitae Evidence Modeling of protein sequence and biophysical properties (such as structural, functional, and spatial information, amino acid conservation, physicochemical variation, residue mobility, and thermodynamic stability) has been performed for this missense variant. However, the output from this modeling did not meet the statistical confidence thresholds required to predict the impact of this variant on CUL4B protein function. In summary, the available evidence is currently insufficient to determine the role of this variant in disease. Therefore, it has been classified as a Variant of Uncertain Significance.

NM_001079872.2(CUL4B):c.242C>T (p.Ser81Leu)

Genes: CUL4B (cullin 4B; minus strand), LOC113845788 (Sharpr-MPRA regulatory region 11856; plus strand). Cytogenetic location: Xq24.
Variant type: single nucleotide variant.
Coding change: c.242C>T on transcript NM_001079872.2 (MANE Select); coding-DNA position 242, C replaced by T.
Protein change: p.Ser81Leu; replaces serine 81 with leucine.
Molecular consequence: missense variant.
Genome position (GRCh38, 1-based): chrX:120,560,397, G>A on the plus strand (C>T on the coding strand, the complement: CUL4B is on the minus strand). VCF-style: chrX-120560397-G-A. GRCh37 (hg19) VCF-style: chrX-119694252-G-A.
Other names: c.257C>T, p.Ser86Leu (NM_001330624.2); c.296C>T, p.Ser99Leu (NM_003588.4); short protein forms S99L, S81L, S86L.
Identifiers: ClinVar variation 4709560 (VCV004709560.1).